The following is an entry in ClinVar:

NM_024312.5(GNPTAB):c.2193dup (p.Lys732fs)

Gene: GNPTAB (N-acetylglucosamine-1-phosphate transferase subunits alpha and beta; minus strand). Cytogenetic location: 12q23.2.
Variant type: Duplication.
Coding change: c.2193dup on transcript NM_024312.5 (MANE Select); coding-DNA position 2193, one base duplicated (C; older notation c.2193dupC).
Protein change: p.Lys732fs; shifts the reading frame from lysine 732.
Molecular consequence: frameshift variant.
Genome position (GRCh38, 1-based): chr12:101,764,724, G duplicated on the plus strand (C on the coding strand, the reverse complement: GNPTAB is on the minus strand); the first of 2 consecutive G bases (chr12:101,764,724-101,764,725); duplicating either gives the same sequence. VCF-style (leftmost placement, unchanged base first): chr12-101764723-T-TG. GRCh37 (hg19) VCF-style: chr12-102158501-T-TG.
Other names: short protein forms K732fs.
Identifiers: ClinVar variation 4816140 (VCV004816140.1).
Genomic context (GRCh38, chr12:101,764,723, plus strand): 5'-CTTGATTTTTTATTTTAGCATGCTGTGAGTTCATCAGAAATGATCTCAGCAAGGCTGACT[T>TG]GGACAAATTGTATCCTTTCAAAGTGATGTCTCCATGTTCCAGTTGCAAATCCAAGGTATT-3'

ClinVar aggregate classification (germline): Likely pathogenic (1 of 4 stars; one submission).

Conditions:
Mucolipidosis type II. Also called: ML II ALPHA/BETA; Mucolipidosis 2; ML 2; Inclusion cell disease; Leroy Disease; N-acetylglucosamine 1phosphotransferase deficiency. Identifiers: Orphanet 576, MedGen C2673377, MONDO:0009650, OMIM 252500.

Submission:

Natera, Inc.
Classification: Likely pathogenic for Mucolipidosis type II. Last evaluated: 2025-09-23. Review status: criteria provided, single submitter. Criteria: Natera Variant Classification Schema (03/2026). Collection method: clinical testing. Allele origin: germline.
Comment: The c.2193dup variant in GNPTAB is a frameshift variant predicted to shift the reading frame beginning at codon 732 and leads to a stop codon 16 codons downstream. This variant is expected to result in nonsense mediated decay, truncation, or a dysfunctional protein product. This variant is rare in the general population with a frequency below the threshold expected for the associated phenotype(s). Given the available evidence, this variant is classified as Likely Pathogenic.